The following is an entry in ClinVar:

NM_005458.8(GABBR2):c.2206C>T (p.Leu736Phe)

Gene: GABBR2 (gamma-aminobutyric acid type B receptor subunit 2; minus strand). Cytogenetic location: 9q22.33.
Variant type: single nucleotide variant.
Coding change: c.2206C>T on transcript NM_005458.8 (MANE Select); coding-DNA position 2206, C replaced by T.
Protein change: p.Leu736Phe; replaces leucine 736 with phenylalanine.
Molecular consequence: missense variant.
Genome position (GRCh38, 1-based): chr9:98,306,144, G>A on the plus strand (C>T on the coding strand, the complement: GABBR2 is on the minus strand). VCF-style: chr9-98306144-G-A. GRCh37 (hg19) VCF-style: chr9-101068426-G-A.
Other names: short protein forms L736F.
Identifiers: ClinVar variation 1709247 (VCV001709247.2), dbSNP rs2491207263, ClinGen allele CA374198572.
Genomic context (GRCh38, chr9:98,306,144, plus strand): 5'-GAGGGCAGAGGCCAGGTGGTGGGGCCAGCGCCTGTACCTTCGGCACGAATACCAGGCAGA[G>A]GGTGATGGTGCTGCAGAAGATGATGACCAGAGCCACGATGCAGAACTGCACATTGGGCTG-3'
Protein context (NP_005449.5, residues 726-746): LVIIFCSTIT[Leu736Phe]CLVFVPKLIT

ClinVar aggregate classification (germline): Uncertain significance (1 of 4 stars; one submission).

Conditions:
Developmental and epileptic encephalopathy, 59. Also called: Early infantile epileptic encephalopathy 59. Identifiers: MedGen C4693550, MONDO:0033368, OMIM 617904.

Submission:

MGZ Medical Genetics Center
Classification: Uncertain significance for Developmental and epileptic encephalopathy, 59. Last evaluated: 2022-03-10. Review status: criteria provided, single submitter. Criteria: ACMG Guidelines, 2015. Collection method: clinical testing. Allele origin: germline. Affected: yes. Observed: 2 variant alleles.
Comment: ACMG criteria applied: PM2_SUP, PP2, PP3